The following is an entry in ClinVar:

NM_052872.4(IL17F):c.203T>A (p.Val68Asp)

Gene: IL17F (interleukin 17F; minus strand). Cytogenetic location: 6p12.2.
Variant type: single nucleotide variant.
Coding change: c.203T>A on transcript NM_052872.4 (MANE Select); coding-DNA position 203, T replaced by A.
Protein change: p.Val68Asp; replaces valine 68 with aspartic acid.
Molecular consequence: missense variant.
Genome position (GRCh38, 1-based): chr6:52,238,781, A>T on the plus strand (T>A on the coding strand, the complement: IL17F is on the minus strand). VCF-style: chr6-52238781-A-T. GRCh37 (hg19) VCF-style: chr6-52103579-A-T.
Other names: short protein forms V68D.
Identifiers: ClinVar variation 3655652 (VCV003655652.2).

ClinVar aggregate classification (germline): Uncertain significance (1 of 4 stars; one submission).

Conditions:
Candidiasis, familial, 6 (CANDF6). Also called: Candidiasis, familial, 6, autosomal dominant. Identifiers: Orphanet 1334, MedGen C3151405, MONDO:0013503, OMIM 613956.

gnomAD v4.1: 1 of 1,614,152 alleles (0.000062%); highest among the groups gnomAD compares: Non-Finnish European, 0.000085%; no homozygotes.

Submission:

Labcorp Genetics (formerly Invitae), Labcorp
Classification: Uncertain significance for Candidiasis, familial, 6. Last evaluated: 2024-06-05. Review status: criteria provided, single submitter. Criteria: Invitae Variant Classification Sherloc (09022015). Collection method: clinical testing. Allele origin: germline.
Comment: This sequence change replaces valine, which is neutral and non-polar, with aspartic acid, which is acidic and polar, at codon 68 of the IL17F protein (p.Val68Asp). This variant is present in population databases (rs757780544, gnomAD 0.0009%). This variant has not been reported in the literature in individuals affected with IL17F-related conditions. An algorithm developed to predict the effect of missense changes on protein structure and function (PolyPhen-2) suggests that this variant is likely to be tolerated. In summary, the available evidence is currently insufficient to determine the role of this variant in disease. Therefore, it has been classified as a Variant of Uncertain Significance.